The following is an entry in ClinVar:

NM_001365276.2(TNXB):c.9301C>T (p.Pro3101Ser)

Gene: TNXB (tenascin XB; minus strand). Cytogenetic location: 6p21.33.
Variant type: single nucleotide variant.
Coding change: c.9301C>T on transcript NM_001365276.2 (MANE Select); coding-DNA position 9301, C replaced by T.
Protein change: p.Pro3101Ser; replaces proline 3101 with serine.
Molecular consequence: missense variant.
Genome position (GRCh38, 1-based): chr6:32,050,136, G>A on the plus strand (C>T on the coding strand, the complement: TNXB is on the minus strand). VCF-style: chr6-32050136-G-A. GRCh37 (hg19) VCF-style: chr6-32017913-G-A.
Other names: c.10042C>T, p.Pro3348Ser (NM_001428335.1); c.9295C>T, p.Pro3099Ser (NM_019105.8); short protein forms P3099S, P3101S, P3348S.
Identifiers: ClinVar variation 3227357 (VCV003227357.1), dbSNP rs2483431499, ClinGen allele CA363540610.

ClinVar aggregate classification (germline): Uncertain significance (1 of 4 stars; one submission).

Conditions:
Cardiovascular phenotype. Identifiers: MedGen CN230736.

Submission:

Ambry Genetics
Classification: Uncertain significance for Cardiovascular phenotype. Last evaluated: 2022-12-07. Review status: criteria provided, single submitter. Criteria: Ambry Variant Classification Scheme 2023. Collection method: clinical testing. Allele origin: germline.
Comment: The p.P3099S variant (also known as c.9295C>T), located in coding exon 26 of the TNXB gene, results from a C to T substitution at nucleotide position 9295. The proline at codon 3099 is replaced by serine, an amino acid with similar properties. This amino acid position is conserved. In addition, this alteration is predicted to be tolerated by in silico analysis. Since supporting evidence is limited at this time, the clinical significance of this alteration remains unclear.